The following is an entry in ClinVar:

ClinVar aggregate classification (germline): Uncertain significance. Review status: criteria provided, multiple submitters, no conflicts (2 of 4 stars). 2 submissions from 2 submitters: Uncertain significance (2). Last evaluated 2025-09-22.

Conditions:
Ehlers-Danlos syndrome, spondylodysplastic type, 3. Also called: Ehlers-Danlos syndrome, spondylocheirodysplastic type. Identifiers: Orphanet 157965, MedGen C2676510, MONDO:0012873, OMIM 612350.

Allele frequency attached by ClinVar (database versions not stated): gnomAD exomes 0.00001; TOPMed 0.00002; gnomAD 0.00001.
gnomAD v4.1: 11 of 1,613,844 alleles (0.00068%); highest among the groups gnomAD compares: Non-Finnish European, 0.00093%; no homozygotes.

Submissions (2):

Labcorp Genetics (formerly Invitae), Labcorp
Classification: Uncertain significance for Ehlers-Danlos syndrome, spondylodysplastic type, 3. Last evaluated: 2025-09-22. Review status: criteria provided, single submitter. Criteria: Invitae Variant Classification Sherloc (09022015). Collection method: clinical testing. Allele origin: germline.
Comment: This sequence change replaces glycine, which is neutral and non-polar, with cysteine, which is neutral and slightly polar, at codon 119 of the SLC39A13 protein (p.Gly119Cys). This variant is present in population databases (no rsID available, gnomAD 0.007%). This variant has not been reported in the literature in individuals affected with SLC39A13-related conditions. ClinVar contains an entry for this variant (Variation ID: 1200994). Invitae Evidence Modeling of protein sequence and biophysical properties (such as structural, functional, and spatial information, amino acid conservation, physicochemical variation, residue mobility, and thermodynamic stability) indicates that this missense variant is expected to disrupt SLC39A13 protein function with a positive predictive value of 80%. In summary, the available evidence is currently insufficient to determine the role of this variant in disease. Therefore, it has been classified as a Variant of Uncertain Significance.

GeneDx
Classification: Uncertain significance. Last evaluated: 2021-03-31. Review status: criteria provided, single submitter. Criteria: GeneDx Variant Classification Process June 2021. Collection method: clinical testing. Allele origin: germline. Affected: yes.
Comment: Not observed at a significant frequency in large population cohorts (Lek et al., 2016); In silico analysis supports that this missense variant has a deleterious effect on protein structure/function; Has not been previously published as pathogenic or benign to our knowledge

NM_001128225.3(SLC39A13):c.355G>T (p.Gly119Cys)

Gene: SLC39A13 (solute carrier family 39 member 13; plus strand). Cytogenetic location: 11p11.2.
Variant type: single nucleotide variant.
Coding change: c.355G>T on transcript NM_001128225.3 (MANE Select); coding-DNA position 355, G replaced by T.
Protein change: p.Gly119Cys; replaces glycine 119 with cysteine.
Molecular consequence: missense variant. On other transcripts: non-coding transcript variant (1).
Genome position (GRCh38, 1-based): chr11:47,411,979, G>T. VCF-style: chr11-47411979-G-T. GRCh37 (hg19) VCF-style: chr11-47433530-G-T.
Other names: c.355G>T, p.Gly119Cys (NM_001330245.2, NM_152264.5); short protein forms G119C.
Identifiers: ClinVar variation 1200994 (VCV001200994.7), dbSNP rs892859231, ClinGen allele CA221688359.
Genomic context (GRCh38, chr11:47,411,979, plus strand): 5'-CTTGTAGCTGGGGCCTGGCGCCTGAAGCAGCTGCTCAGCTTCGCCCTGGGGGGACTCTTG[G>T]GCAATGTGTTTCTGCATCTGCTGCCCGAAGCCTGGGCCTACACGTGCAGCGCCAGCCCTG-3'
Protein context (NP_001121697.2, residues 109-129): LLSFALGGLL[Gly119Cys]NVFLHLLPEA